The following is an entry in ClinVar:

ClinVar aggregate classification (germline): Uncertain significance (1 of 4 stars; one submission).

Allele frequency attached by ClinVar (database versions not stated): gnomAD exomes below 0.00001; TOPMed below 0.00001.
gnomAD v4.1: 8 of 1,613,422 alleles (0.0005%); highest among the groups gnomAD compares: South Asian, 0.0011%; no homozygotes.

Submission:

GeneDx
Classification: Uncertain significance. Last evaluated: 2021-06-20. Review status: criteria provided, single submitter. Criteria: GeneDx Variant Classification Process June 2021. Collection method: clinical testing. Allele origin: germline. Affected: yes.
Comment: Not observed at significant frequency in large population cohorts (Lek et al., 2016); In silico analysis supports that this missense variant does not alter protein structure/function; Has not been previously published as pathogenic or benign to our knowledge; This variant is associated with the following publications: (PMID: 27535533)

NM_015021.3(ZNF292):c.6248G>A (p.Arg2083Lys)

Gene: ZNF292 (zinc finger protein 292; plus strand). Cytogenetic location: 6q14.3.
Variant type: single nucleotide variant.
Coding change: c.6248G>A on transcript NM_015021.3 (MANE Select); coding-DNA position 6248, G replaced by A.
Protein change: p.Arg2083Lys; replaces arginine 2083 with lysine.
Molecular consequence: missense variant.
Genome position (GRCh38, 1-based): chr6:87,259,877, G>A. VCF-style: chr6-87259877-G-A. GRCh37 (hg19) VCF-style: chr6-87969595-G-A.
Other names: c.5828G>A, p.Arg1943Lys (NM_001351444.2); short protein forms R1943K, R2083K.
Identifiers: ClinVar variation 1328804 (VCV001328804.2), dbSNP rs539510683, ClinGen allele CA142838301.